The following is an entry in ClinVar:

ClinVar aggregate classification (germline): Likely benign. Review status: criteria provided, single submitter (1 of 4 stars). 2 submissions from 2 submitters: Likely benign (1). 1 of the submissions does not count toward it. Last evaluated 2023-03-08.

Conditions:
ACE-related disorder. Also called: ACE-related disorders; ACE-related condition.

Allele frequency attached by ClinVar (database versions not stated): TOPMed 0.00002; ExAC 0.00003; gnomAD 0.00003; gnomAD exomes 0.00003.
gnomAD v4.1: 45 of 1,613,264 alleles (0.0028%); highest among the groups gnomAD compares: Admixed American, 0.02%; no homozygotes.

Submissions (2):

Labcorp Genetics (formerly Invitae), Labcorp
Classification: Likely benign. Last evaluated: 2023-03-08. Review status: criteria provided, single submitter. Criteria: Invitae Variant Classification Sherloc (09022015). Collection method: clinical testing. Allele origin: germline.

PreventionGenetics, part of Exact Sciences
Classification: Likely benign for ACE-related condition. Last evaluated: 2024-04-12. Review status: no assertion criteria provided. Collection method: clinical testing. Allele origin: germline. Not counted in ClinVar's aggregate classification.
Comment: This variant is classified as likely benign based on ACMG/AMP sequence variant interpretation guidelines (Richards et al. 2015 PMID: 25741868, with internal and published modifications).

NM_000789.4(ACE):c.546C>T (p.Tyr182=)

Gene: ACE (angiotensin I converting enzyme; plus strand). Cytogenetic location: 17q23.3.
Variant type: single nucleotide variant.
Coding change: c.546C>T on transcript NM_000789.4 (MANE Select); coding-DNA position 546, C replaced by T.
Protein change: p.Tyr182=; no amino-acid change (tyrosine 182 retained).
Molecular consequence: synonymous variant. On other transcripts: intron variant (2).
Genome position (GRCh38, 1-based): chr17:63,479,803, C>T. VCF-style: chr17-63479803-C-T. GRCh37 (hg19) VCF-style: chr17-61557164-C-T.
Other names: c.546C>T (NM_000789.3); c.-197-534C>T (NM_001382701.1); c.183-534C>T (NM_001382700.1).
Identifiers: ClinVar variation 2732147 (VCV002732147.4), dbSNP rs200127371, ClinGen allele CA8699133.